The following is an entry in ClinVar:

ClinVar aggregate classification (germline): Uncertain significance. Review status: criteria provided, multiple submitters, no conflicts (2 of 4 stars). 3 submissions from 3 submitters: Uncertain significance (3). Last evaluated 2024-12-11.

Allele frequency attached by ClinVar (database versions not stated): gnomAD exomes below 0.00001; gnomAD 0.00001.
gnomAD v4.1: 6 of 1,612,252 alleles (0.00037%); highest among the groups gnomAD compares: Non-Finnish European, 0.00051%; no homozygotes.

Submissions (3):

Ambry Genetics
Classification: Uncertain significance. Last evaluated: 2024-12-11. Review status: criteria provided, single submitter. Criteria: Ambry Variant Classification Scheme 2023. Collection method: clinical testing. Allele origin: germline.

GeneDx
Classification: Uncertain significance. Last evaluated: 2023-06-22. Review status: criteria provided, single submitter. Criteria: GeneDx Variant Classification Process June 2021. Collection method: clinical testing. Allele origin: germline. Affected: yes.
Comment: Not observed at significant frequency in large population cohorts (gnomAD); In silico analysis supports that this missense variant has a deleterious effect on protein structure/function; Has not been previously published as pathogenic or benign to our knowledge; This variant is associated with the following publications: (PMID: 26687144)

Revvity Omics, Revvity
Classification: Uncertain significance. Last evaluated: 2022-04-01. Review status: criteria provided, single submitter. Criteria: ACMG Guidelines, 2015. Collection method: clinical testing. Allele origin: germline.

NM_001101426.4(CRPPA):c.800A>T (p.Lys267Ile)

Gene: CRPPA (CDP-L-ribitol pyrophosphorylase A; minus strand). Cytogenetic location: 7p21.2.
Variant type: single nucleotide variant.
Coding change: c.800A>T on transcript NM_001101426.4 (MANE Select); coding-DNA position 800, A replaced by T.
Protein change: p.Lys267Ile; replaces lysine 267 with isoleucine.
Molecular consequence: missense variant.
Genome position (GRCh38, 1-based): chr7:16,301,456, T>A on the plus strand (A>T on the coding strand, the complement: CRPPA is on the minus strand). VCF-style: chr7-16301456-T-A. GRCh37 (hg19) VCF-style: chr7-16341081-T-A.
Other names: c.650A>T, p.Lys217Ile (NM_001101417.4); c.695A>T, p.Lys232Ile (NM_001368197.1); c.800A>T (NM_001101426.3); short protein forms K217I, K232I, K267I.
Identifiers: ClinVar variation 2440565 (VCV002440565.5), dbSNP rs1472436450, ClinGen allele CA367001514.
Genomic context (GRCh38, chr7:16,301,456, plus strand): 5'-CTGACAGTCATAAGGCCAAACATACCCTTAATAATCGATTCAGCCGCATAGAGATCTCGT[T>A]TGTAGGTCACCTAAAGGACAGATAAACTTCATTAGACTTAACAGAGCAGGAAGGAATGTG-3'
Protein context (NP_001094896.1, residues 257-277): GSPDLWKVTY[Lys267Ile]RDLYAAESII